The following is an entry in ClinVar:

ClinVar aggregate classification (germline): Likely benign. Review status: criteria provided, single submitter (1 of 4 stars). 2 submissions from 2 submitters: Likely benign (1). 1 of the submissions does not count toward it. Last evaluated 2026-01-15.

Conditions:
TYK2-related disorder. Also called: TYK2-related condition.
Immunodeficiency 35 (IMD35). Also called: HIES WITH ATYPICAL MYCOBACTERIOSIS, AUTOSOMAL RECESSIVE; Susceptibility to infection due to TYK2 deficiency; HYPER-IgE SYNDROME WITH ATYPICAL MYCOBACTERIOSIS, AUTOSOMAL RECESSIVE; TYK2 DEFICIENCY. Identifiers: Orphanet 331226, MedGen C1969086, MONDO:0012682, OMIM 611521.

gnomAD v4.1: 137 of 1,612,552 alleles (0.0085%); highest among the groups gnomAD compares: Admixed American, 0.032%; no homozygotes.

Submissions (2):

Labcorp Genetics (formerly Invitae), Labcorp
Classification: Likely benign for Immunodeficiency 35. Last evaluated: 2026-01-15. Review status: criteria provided, single submitter. Criteria: Invitae Variant Classification Sherloc (09022015). Collection method: clinical testing. Allele origin: germline.

PreventionGenetics, part of Exact Sciences
Classification: Likely benign for TYK2-related condition. Last evaluated: 2023-06-16. Review status: no assertion criteria provided. Collection method: clinical testing. Allele origin: germline. Not counted in ClinVar's aggregate classification.
Comment: This variant is classified as likely benign based on ACMG/AMP sequence variant interpretation guidelines (Richards et al. 2015 PMID: 25741868, with internal and published modifications).

NM_003331.5(TYK2):c.2230C>A (p.Arg744=)

Gene: TYK2 (tyrosine kinase 2; minus strand). Cytogenetic location: 19p13.2.
Variant type: single nucleotide variant.
Coding change: c.2230C>A on transcript NM_003331.5 (MANE Select); coding-DNA position 2230, C replaced by A.
Protein change: p.Arg744=; no amino-acid change (arginine 744 retained).
Molecular consequence: synonymous variant.
Genome position (GRCh38, 1-based): chr19:10,358,084, G>T on the plus strand (C>A on the coding strand, the complement: TYK2 is on the minus strand). VCF-style: chr19-10358084-G-T. GRCh37 (hg19) VCF-style: chr19-10468760-G-T.
Other names: c.2230C>A (NM_003331.4); c.2230C>A, p.Arg744= (NM_001385197.1, NM_001385198.1, NM_001385200.1 and 2 more transcripts); c.2044C>A, p.Arg682= (NM_001385199.1); c.2032C>A, p.Arg678= (NM_001385201.1); c.2146C>A, p.Arg716= (NM_001385202.1); c.2140C>A, p.Arg714= (NM_001385205.1); c.2104C>A, p.Arg702= (NM_001385206.1); c.2212C>A, p.Arg738= (NM_001385207.1).
Identifiers: ClinVar variation 1054217 (VCV001054217.11), dbSNP rs142676100, ClinGen allele CA9193140.